The following is an entry in ClinVar:

NM_002691.4(POLD1):c.1683G>C (p.Arg561=)

Gene: POLD1 (DNA polymerase delta 1, catalytic subunit; plus strand). Cytogenetic location: 19q13.33.
Variant type: single nucleotide variant.
Coding change: c.1683G>C on transcript NM_002691.4 (MANE Select); coding-DNA position 1683, G replaced by C.
Protein change: p.Arg561=; no amino-acid change (arginine 561 retained).
Molecular consequence: synonymous variant. On other transcripts: non-coding transcript variant (1).
Genome position (GRCh38, 1-based): chr19:50,407,171, G>C. VCF-style: chr19-50407171-G-C. GRCh37 (hg19) VCF-style: chr19-50910428-G-C.
Other names: c.1683G>C, p.Arg561= (NM_001308632.1, NM_001256849.1).
Identifiers: ClinVar variation 3628577 (VCV003628577.3).

ClinVar aggregate classification (germline): Benign/Likely benign. Review status: criteria provided, multiple submitters, no conflicts (2 of 4 stars). 2 submissions from 2 submitters: Benign (1); Likely benign (1). Last evaluated 2025-02-07.

Conditions:
POLD1-related polyposis and colorectal cancer syndrome (CRCS10). Also called: Colorectal cancer 10; COLORECTAL CANCER, SUSCEPTIBILITY TO, ON CHROMOSOME 19q; Colorectal cancer, susceptibility to, 10. Identifiers: Orphanet 220460, MedGen C2675481, MONDO:0012953, OMIM 612591.

Submissions (2):

Myriad Genetics, Inc.
Classification: Benign for POLD1-related polyposis and colorectal cancer syndrome. Last evaluated: 2025-02-07. Review status: criteria provided, single submitter. Criteria: Myriad Autosomal Dominant, Autosomal Recessive and X-Linked Classification Criteria (2023). Collection method: clinical testing. Allele origin: unknown.
Comment: This variant is considered benign. This variant is a silent/synonymous amino acid change and it is not expected to impact splicing.

Labcorp Genetics (formerly Invitae), Labcorp
Classification: Likely benign for POLD1-related polyposis and colorectal cancer syndrome. Last evaluated: 2024-09-19. Review status: criteria provided, single submitter. Criteria: Invitae Variant Classification Sherloc (09022015). Collection method: clinical testing. Allele origin: germline.